The following is an entry in ClinVar:

ClinVar aggregate classification (germline): Uncertain significance. Review status: criteria provided, multiple submitters, no conflicts (2 of 4 stars). 2 submissions from 2 submitters: Uncertain significance (2). Last evaluated 2023-05-29.

Conditions:
Familial thoracic aortic aneurysm and aortic dissection (TAAD). Also called: Thoracic aortic aneurysms and dissections. Identifiers: Orphanet 91387, MedGen C4707243, MONDO:0019625.

Allele frequency attached by ClinVar (database versions not stated): TOPMed below 0.00001; ExAC 0.00001; gnomAD 0.00001.

Submissions (2):

CHEO Genetics Diagnostic Laboratory, Children's Hospital of Eastern Ontario
Classification: Uncertain significance for Familial thoracic aortic aneurysm and aortic dissection. Last evaluated: 2023-05-29. Review status: criteria provided, single submitter. Criteria: ACMG Guidelines, 2015. Collection method: clinical testing. Allele origin: germline.

Ambry Genetics
Classification: Uncertain significance for Familial thoracic aortic aneurysm and aortic dissection. Last evaluated: 2023-03-26. Review status: criteria provided, single submitter. Criteria: Ambry Variant Classification Scheme 2023. Collection method: clinical testing. Allele origin: germline.
Comment: The p.E1277K variant (also known as c.3829G>A), located in coding exon 27 of the MYH11 gene, results from a G to A substitution at nucleotide position 3829. The glutamic acid at codon 1277 is replaced by lysine, an amino acid with similar properties. This amino acid position is conserved. In addition, this alteration is predicted to be deleterious by in silico analysis. Since supporting evidence is limited at this time, the clinical significance of this alteration remains unclear.

NM_002474.3(MYH11):c.3829G>A (p.Glu1277Lys)

Gene: MYH11 (myosin heavy chain 11; minus strand). Cytogenetic location: 16p13.11.
Variant type: single nucleotide variant.
Coding change: c.3829G>A on transcript NM_002474.3 (MANE Select); coding-DNA position 3829, G replaced by A.
Protein change: p.Glu1277Lys; replaces glutamic acid 1277 with lysine.
Molecular consequence: missense variant.
Genome position (GRCh38, 1-based): chr16:15,726,877, C>T on the plus strand (G>A on the coding strand, the complement: MYH11 is on the minus strand). VCF-style: chr16-15726877-C-T. GRCh37 (hg19) VCF-style: chr16-15820734-C-T.
Other names: c.3850G>A, p.Glu1284Lys (NM_001040113.2, NM_001040114.2); c.3829G>A, p.Glu1277Lys (NM_022844.3); c.3850G>A (NM_001040113.1); short protein forms E1277K, E1284K.
Identifiers: ClinVar variation 2563068 (VCV002563068.3), dbSNP rs757217200, ClinGen allele CA7921880.